The following is an entry in ClinVar:

NM_001004334.4(GPR179):c.5602C>G (p.Gln1868Glu)

Gene: GPR179 (G protein-coupled receptor 179; minus strand). Cytogenetic location: 17q12.
Variant type: single nucleotide variant.
Coding change: c.5602C>G on transcript NM_001004334.4 (MANE Select); coding-DNA position 5602, C replaced by G.
Protein change: p.Gln1868Glu; replaces glutamine 1868 with glutamic acid.
Molecular consequence: missense variant.
Genome position (GRCh38, 1-based): chr17:38,327,967, G>C on the plus strand (C>G on the coding strand, the complement: GPR179 is on the minus strand). VCF-style: chr17-38327967-G-C. GRCh37 (hg19) VCF-style: chr17-36483850-G-C.
Other names: short protein forms Q1868E.
Identifiers: ClinVar variation 1503884 (VCV001503884.8), dbSNP rs761623381, ClinGen allele CA290103448.

ClinVar aggregate classification (germline): Uncertain significance (1 of 4 stars; one submission).

Allele frequency attached by ClinVar (database versions not stated): gnomAD exomes 0.00001.
gnomAD v4.1: 13 of 1,614,146 alleles (0.00081%); highest among the groups gnomAD compares: Non-Finnish European, 0.0011%; no homozygotes.

Submission:

Labcorp Genetics (formerly Invitae), Labcorp
Classification: Uncertain significance. Last evaluated: 2021-05-06. Review status: criteria provided, single submitter. Criteria: Invitae Variant Classification Sherloc (09022015). Collection method: clinical testing. Allele origin: germline.
Comment: Algorithms developed to predict the effect of missense changes on protein structure and function are either unavailable or do not agree on the potential impact of this missense change (SIFT: "Deleterious"; PolyPhen-2: "Benign"; Align-GVGD: "Class C0"). In summary, the available evidence is currently insufficient to determine the role of this variant in disease. Therefore, it has been classified as a Variant of Uncertain Significance. This variant has not been reported in the literature in individuals with GPR179-related conditions. This variant is not present in population databases (ExAC no frequency). This sequence change replaces glutamine with glutamic acid at codon 1868 of the GPR179 protein (p.Gln1868Glu). The glutamine residue is moderately conserved and there is a small physicochemical difference between glutamine and glutamic acid.